The following is an entry in ClinVar:

ClinVar aggregate classification (germline): Conflicting classifications of pathogenicity. Review status: criteria provided, conflicting classifications (1 of 4 stars). 5 submissions from 5 submitters: Uncertain significance (4); Likely benign (1). Last evaluated 2024-05-16.

Conditions:
Hereditary cancer-predisposing syndrome. Also called: Hereditary neoplastic syndrome; Neoplastic Syndromes, Hereditary; Hereditary Cancer Syndrome; Tumor predisposition. Identifiers: Orphanet 140162, MedGen C0027672, MeSH D009386, MONDO:0015356.
Hereditary breast ovarian cancer syndrome. Also called: BRCA1- and BRCA2-Associated Hereditary Breast and Ovarian Cancer; Hereditary breast and ovarian cancer syndrome; Hereditary breast and ovarian cancer syndrome (HBOC); Hereditary breast and/or ovarian cancer syndrome; Breast and ovarian cancer; Hereditary breast and ovarian cancer. Identifiers: Orphanet 145, MedGen C0677776, MeSH D061325, MONDO:0003582. Disease mechanism: loss of function.

Allele frequency attached by ClinVar (database versions not stated): gnomAD exomes below 0.00001.
gnomAD v4.1: 2 of 1,603,762 alleles (0.00012%); no homozygotes.

Submissions (5):

Women's Health and Genetics/Laboratory Corporation of America, LabCorp
Classification: Uncertain significance. Last evaluated: 2024-05-16. Review status: criteria provided, single submitter. Criteria: LabCorp Variant Classification Summary - May 2015. Collection method: clinical testing. Allele origin: germline.

GeneDx
Classification: Uncertain significance. Last evaluated: 2023-12-24. Review status: criteria provided, single submitter. Criteria: GeneDx Variant Classification Process June 2021. Collection method: clinical testing. Allele origin: germline. Affected: yes.
Comment: Not observed at significant frequency in large population cohorts (gnomAD); In silico analysis supports that this missense variant does not alter protein structure/function; Has not been previously published as pathogenic or benign to our knowledge; Also known as 5402C>T

Ambry Genetics
Classification: Uncertain significance for Hereditary cancer-predisposing syndrome. Last evaluated: 2023-08-30. Review status: criteria provided, single submitter. Criteria: Ambry Variant Classification Scheme 2023. Collection method: clinical testing. Allele origin: germline.
Comment: The p.A1725V variant (also known as c.5174C>T), located in coding exon 10 of the BRCA2 gene, results from a C to T substitution at nucleotide position 5174. The alanine at codon 1725 is replaced by valine, an amino acid with similar properties. This amino acid position is conserved. In addition, this alteration is predicted to be tolerated by in silico analysis. Since supporting evidence is limited at this time, the clinical significance of this alteration remains unclear.

University of Washington Department of Laboratory Medicine, University of Washington
Classification: Likely benign for Hereditary cancer-predisposing syndrome. Last evaluated: 2023-03-23. Review status: criteria provided, single submitter. Criteria: Dines et al. (Genet Med. 2020). Collection method: curation. Allele origin: germline.
Comment: Missense variant in a coldspot region where missense variants are very unlikely to be pathogenic (PMID:31911673).

BRCA2 exon 11 coldspot. Reclassification based on statistical prior probability.

Labcorp Genetics (formerly Invitae), Labcorp
Classification: Uncertain significance for Hereditary breast ovarian cancer syndrome. Last evaluated: 2022-06-13. Review status: criteria provided, single submitter. Criteria: Invitae Variant Classification Sherloc (09022015). Collection method: clinical testing. Allele origin: germline.
Comment: In summary, the available evidence is currently insufficient to determine the role of this variant in disease. Therefore, it has been classified as a Variant of Uncertain Significance. Advanced modeling of protein sequence and biophysical properties (such as structural, functional, and spatial information, amino acid conservation, physicochemical variation, residue mobility, and thermodynamic stability) performed at Invitae indicates that this missense variant is not expected to disrupt BRCA2 protein function. ClinVar contains an entry for this variant (Variation ID: 660605). This variant has not been reported in the literature in individuals affected with BRCA2-related conditions. This variant is not present in population databases (gnomAD no frequency). This sequence change replaces alanine, which is neutral and non-polar, with valine, which is neutral and non-polar, at codon 1725 of the BRCA2 protein (p.Ala1725Val).

NM_000059.4(BRCA2):c.5174C>T (p.Ala1725Val)

Gene: BRCA2 (BRCA2 DNA repair associated; plus strand). Cytogenetic location: 13q13.1.
Variant type: single nucleotide variant.
Coding change: c.5174C>T on transcript NM_000059.4 (MANE Select); coding-DNA position 5174, C replaced by T.
Protein change: p.Ala1725Val; replaces alanine 1725 with valine.
Molecular consequence: missense variant.
Genome position (GRCh38, 1-based): chr13:32,339,529, C>T. VCF-style: chr13-32339529-C-T. GRCh37 (hg19) VCF-style: chr13-32913666-C-T.
Other names: short protein forms A1725V.
Identifiers: ClinVar variation 660605 (VCV000660605.14), dbSNP rs1593904638, ClinGen allele CA387784538.